The following is an entry in ClinVar:

NM_000152.5(GAA):c.277G>A (p.Ala93Thr)

Gene: GAA (alpha glucosidase; plus strand). Cytogenetic location: 17q25.3.
Variant type: single nucleotide variant.
Coding change: c.277G>A on transcript NM_000152.5 (MANE Select); coding-DNA position 277, G replaced by A.
Protein change: p.Ala93Thr; replaces alanine 93 with threonine.
Molecular consequence: missense variant.
Genome position (GRCh38, 1-based): chr17:80,104,863, G>A. VCF-style: chr17-80104863-G-A. GRCh37 (hg19) VCF-style: chr17-78078662-G-A.
Other names: c.277G>A (LRG_673t1); c.277G>A, p.Ala93Thr (NM_001079803.3, NM_001079804.3); short protein forms A93T.
Identifiers: ClinVar variation 456417 (VCV000456417.21), dbSNP rs142481170, ClinGen allele CA8814837.

ClinVar aggregate classification (germline): Conflicting classifications of pathogenicity. Review status: criteria provided, conflicting classifications (1 of 4 stars). 5 submissions from 5 submitters: Uncertain significance (4); Likely benign (1). Last evaluated 2025-12-22.

Conditions:
Glycogen storage disease, type II (IOPD). Also called: POMPE DISEASE, INFANTILE-ONSET; GLYCOGEN STORAGE DISEASE II, INFANTILE-ONSET; ACID ALPHA-GLUCOSIDASE DEFICIENCY, INFANTILE-ONSET; GAA DEFICIENCY, INFANTILE-ONSET; ACID MALTASE DEFICIENCY, INFANTILE-ONSET; Glucosidase acid-1,4-alpha deficiency. Identifiers: Orphanet 365, MedGen C0017921, MONDO:0009290, OMIM 232300.

Allele frequency attached by ClinVar (database versions not stated): gnomAD 0.00003; TOPMed 0.00004; gnomAD exomes 0.00008; ExAC 0.00012; ESP Exome Variant Server 0.00031.
gnomAD v4.1: 72 of 1,612,678 alleles (0.0045%); highest among the groups gnomAD compares: East Asian, 0.029%; no homozygotes.

Submissions (5):

Labcorp Genetics (formerly Invitae), Labcorp
Classification: Likely benign for Glycogen storage disease, type II. Last evaluated: 2025-12-22. Review status: criteria provided, single submitter. Criteria: Invitae Variant Classification Sherloc (09022015). Collection method: clinical testing. Allele origin: germline.

GeneDx
Classification: Uncertain significance. Last evaluated: 2025-07-08. Review status: criteria provided, single submitter. Criteria: GeneDx Variant Classification Process June 2021. Collection method: clinical testing. Allele origin: germline. Affected: yes.
Comment: Reported in an individual with autism spectrum disorder in published literature; however, further clinical details were not provided and additional variants in other genes were also observed (PMID: 37492102); In silico analysis suggests that this missense variant does not alter protein structure/function; This variant is associated with the following publications: (PMID: 19343043, 22253258, 37492102)

Revvity Omics, Revvity
Classification: Uncertain significance. Last evaluated: 2024-01-18. Review status: criteria provided, single submitter. Criteria: ACMG Guidelines, 2015. Collection method: clinical testing. Allele origin: germline.

Blueprint Genetics
Classification: Uncertain significance. Last evaluated: 2021-08-12. Review status: criteria provided, single submitter. Criteria: ACMG Guidelines, 2015. Collection method: clinical testing. Allele origin: germline.

Genome-Nilou Lab
Classification: Uncertain significance for Glycogen storage disease, type II. Last evaluated: 2021-07-22. Review status: criteria provided, single submitter. Criteria: ACMG Guidelines, 2015. Collection method: clinical testing. Allele origin: germline. Affected: no.